The following is an entry in ClinVar:

ClinVar aggregate classification (germline): Uncertain significance (1 of 4 stars; one submission).

gnomAD v4.1: 2 of 1,590,104 alleles (0.00013%); no homozygotes.

Submission:

Ambry Genetics
Classification: Uncertain significance. Last evaluated: 2026-06-01. Review status: criteria provided, single submitter. Criteria: Ambry Variant Classification Scheme 2023. Collection method: clinical testing. Allele origin: germline.
Comment: The p.P634S variant (also known as c.1900C>T), located in coding exon 13 of the RINT1 gene, results from a C to T substitution at nucleotide position 1900. The proline at codon 634 is replaced by serine, an amino acid with similar properties. This amino acid position is conserved. In addition, this alteration is predicted to be tolerated by in silico analysis. Based on the available evidence, the clinical significance of this variant remains unclear.

NM_021930.6(RINT1):c.1900C>T (p.Pro634Ser)

Genes: EFCAB10 (EF-hand calcium binding domain 10; minus strand), RINT1 (RAD50 interactor 1; plus strand). Cytogenetic location: 7q22.3.
Variant type: single nucleotide variant.
Coding change: c.1900C>T on transcript NM_021930.6 (MANE Select); coding-DNA position 1900, C replaced by T.
Protein change: p.Pro634Ser; replaces proline 634 with serine.
Molecular consequence: missense variant. On other transcripts: 3 prime UTR variant (3), non-coding transcript variant (1).
Genome position (GRCh38, 1-based): chr7:105,565,290, C>T. VCF-style: chr7-105565290-C-T. GRCh37 (hg19) VCF-style: chr7-105205737-C-T.
Other names: c.*157G>A (NM_001355526.2); c.*259G>A (NM_001355530.2); c.*112G>A (NM_001355531.2); c.1666C>T, p.Pro556Ser (NM_001346599.2); c.877C>T, p.Pro293Ser (NM_001346600.2, NM_001346603.2); c.976C>T, p.Pro326Ser (NM_001346601.2); short protein forms P293S, P326S, P556S, P634S.
Identifiers: ClinVar variation 4863348 (VCV004863348.1).